The following is an entry in ClinVar:

ClinVar aggregate classification (germline): Likely benign. Review status: criteria provided, multiple submitters, no conflicts (2 of 4 stars). 3 submissions from 3 submitters: Likely benign (3). Last evaluated 2025-06-23.

Conditions:
Hereditary cancer-predisposing syndrome. Also called: Tumor predisposition; Neoplastic Syndromes, Hereditary; Hereditary neoplastic syndrome; Hereditary Cancer Syndrome. Identifiers: Orphanet 140162, MedGen C0027672, MeSH D009386, MONDO:0015356.
Hereditary breast ovarian cancer syndrome. Also called: Breast and ovarian cancer; Hereditary breast and ovarian cancer; Hereditary breast and/or ovarian cancer syndrome; BRCA1- and BRCA2-Associated Hereditary Breast and Ovarian Cancer; Hereditary breast and ovarian cancer syndrome (HBOC); Hereditary breast and ovarian cancer syndrome. Identifiers: Orphanet 145, MedGen C0677776, MeSH D061325, MONDO:0003582. Disease mechanism: loss of function.

Submissions (3):

Ambry Genetics
Classification: Likely benign for Hereditary cancer-predisposing syndrome. Last evaluated: 2025-06-23. Review status: criteria provided, single submitter. Criteria: Ambry Variant Classification Scheme 2023. Collection method: clinical testing. Allele origin: germline.

Labcorp Genetics (formerly Invitae), Labcorp
Classification: Likely benign for Hereditary breast ovarian cancer syndrome. Last evaluated: 2025-06-02. Review status: criteria provided, single submitter. Criteria: Invitae Variant Classification Sherloc (09022015). Collection method: clinical testing. Allele origin: germline.

GeneDx
Classification: Likely benign. Last evaluated: 2019-12-06. Review status: criteria provided, single submitter. Criteria: GeneDx Variant Classification Process June 2021. Collection method: clinical testing. Allele origin: germline. Affected: yes.
Comment: See Variant Classification Assertion Criteria.

NM_000059.4(BRCA2):c.7932T>C (p.Asn2644=)

Gene: BRCA2 (BRCA2 DNA repair associated; plus strand). Cytogenetic location: 13q13.1.
Variant type: single nucleotide variant.
Coding change: c.7932T>C on transcript NM_000059.4 (MANE Select); coding-DNA position 7932, T replaced by C.
Protein change: p.Asn2644=; no amino-acid change (asparagine 2644 retained).
Molecular consequence: synonymous variant.
Genome position (GRCh38, 1-based): chr13:32,362,649, T>C. VCF-style: chr13-32362649-T-C. GRCh37 (hg19) VCF-style: chr13-32936786-T-C.
Identifiers: ClinVar variation 415679 (VCV000415679.14), dbSNP rs1060504625, ClinGen allele CA16614367.